The following is an entry in ClinVar:

ClinVar aggregate classification (germline): Benign/Likely benign. Review status: criteria provided, multiple submitters, no conflicts (2 of 4 stars). 3 submissions from 3 submitters: Benign (1); Likely benign (2). Last evaluated 2025-10-29.

Conditions:
Fanconi-Bickel syndrome (FBS). Also called: Glycogen storage disease due to GLUT2 deficiency; FANCONI SYNDROME WITH INTESTINAL MALABSORPTION AND GALACTOSE INTOLERANCE; HEPATIC GLYCOGENOSIS WITH AMINO ACIDURIA AND GLUCOSURIA; HEPATIC GLYCOGENOSIS WITH FANCONI NEPHROPATHY; HEPATORENAL GLYCOGENOSIS WITH RENAL FANCONI SYNDROME; PSEUDO-PHLORIZIN DIABETES. Identifiers: Orphanet 2088, MedGen C3495427, MONDO:0009216, OMIM 227810.
Type 2 diabetes mellitus. Also called: Type II diabetes mellitus. Identifiers: MedGen C0011860, MeSH D003924, MONDO:0005148, OMIM 125853, HP:0005978.

Allele frequency attached by ClinVar (database versions not stated): gnomAD exomes 0.00003 and 0.00012; ExAC 0.00012; 1000 Genomes Project 30x 0.00031; gnomAD 0.00036 and 0.00039; ESP Exome Variant Server 0.00038; TOPMed 0.00038; 1000 Genomes Project 0.00040.
gnomAD v4.1: 100 of 1,609,466 alleles (0.0062%); highest among the groups gnomAD compares: African/African-American, 0.12%; 1 homozygote.

Submissions (3):

Labcorp Genetics (formerly Invitae), Labcorp
Classification: Benign for Fanconi-Bickel syndrome. Last evaluated: 2025-10-29. Review status: criteria provided, single submitter. Criteria: Invitae Variant Classification Sherloc (09022015). Collection method: clinical testing. Allele origin: germline.

Fulgent Genetics
Classification: Likely benign for Type 2 diabetes mellitus; Fanconi-Bickel syndrome. Last evaluated: 2021-12-23. Review status: criteria provided, single submitter. Criteria: ACMG Guidelines, 2015. Collection method: clinical testing. Allele origin: unknown.

GeneDx
Classification: Likely benign. Last evaluated: 2018-04-19. Review status: criteria provided, single submitter. Criteria: GeneDx Variant Classification (06012015). Collection method: clinical testing. Allele origin: germline. Affected: yes.
Comment: This variant is considered likely benign or benign based on one or more of the following criteria: it is a conservative change, it occurs at a poorly conserved position in the protein, it is predicted to be benign by multiple in silico algorithms, and/or has population frequency not consistent with disease.

NM_000340.2(SLC2A2):c.963+14C>T

Gene: SLC2A2 (solute carrier family 2 member 2; minus strand). Cytogenetic location: 3q26.2.
Variant type: single nucleotide variant.
Coding change: c.963+14C>T on transcript NM_000340.2 (MANE Select); 14 bases into the intron after coding-DNA position 963, C replaced by T.
Molecular consequence: intron variant.
Genome position (GRCh38, 1-based): chr3:171,005,271, G>A on the plus strand (C>T on the coding strand, the complement: SLC2A2 is on the minus strand). VCF-style: chr3-171005271-G-A. GRCh37 (hg19) VCF-style: chr3-170723060-G-A.
Other names: c.606+14C>T (NM_001278658.2); c.444+14C>T (NM_001278659.2).
Identifiers: ClinVar variation 681470 (VCV000681470.10), dbSNP rs189551647, ClinGen allele CA2702541.